The following is an entry in ClinVar:

ClinVar aggregate classification (germline): Uncertain significance (1 of 4 stars; one submission).

Submission:

Labcorp Genetics (formerly Invitae), Labcorp
Classification: Uncertain significance. Last evaluated: 2024-03-17. Review status: criteria provided, single submitter. Criteria: Invitae Variant Classification Sherloc (09022015). Collection method: clinical testing. Allele origin: germline.
Comment: This sequence change replaces proline, which is neutral and non-polar, with serine, which is neutral and polar, at codon 12 of the RHO protein (p.Pro12Ser). This variant is not present in population databases (gnomAD no frequency). This variant has not been reported in the literature in individuals affected with RHO-related conditions. Advanced modeling of protein sequence and biophysical properties (such as structural, functional, and spatial information, amino acid conservation, physicochemical variation, residue mobility, and thermodynamic stability) performed at Invitae indicates that this missense variant is expected to disrupt RHO protein function with a positive predictive value of 95%. In summary, the available evidence is currently insufficient to determine the role of this variant in disease. Therefore, it has been classified as a Variant of Uncertain Significance.

NM_000539.3(RHO):c.34C>T (p.Pro12Ser)

Gene: RHO (rhodopsin; plus strand). Cytogenetic location: 3q22.1.
Variant type: single nucleotide variant.
Coding change: c.34C>T on transcript NM_000539.3 (MANE Select); coding-DNA position 34, C replaced by T.
Protein change: p.Pro12Ser; replaces proline 12 with serine.
Molecular consequence: missense variant.
Genome position (GRCh38, 1-based): chr3:129,528,767, C>T. VCF-style: chr3-129528767-C-T. GRCh37 (hg19) VCF-style: chr3-129247610-C-T.
Other names: short protein forms P12S.
Identifiers: ClinVar variation 3672853 (VCV003672853.2).
Genomic context (GRCh38, chr3:129,528,767, plus strand): 5'-CACGGGTCAGCCACAAGGGCCACAGCCATGAATGGCACAGAAGGCCCTAACTTCTACGTG[C>T]CCTTCTCCAATGCGACGGGTGTGGTACGCAGCCCCTTCGAGTACCCACAGTACTACCTGG-3'
Protein context (NP_000530.1, residues 2-22): NGTEGPNFYV[Pro12Ser]FSNATGVVRS